The following is an entry in ClinVar:

NM_001037333.3(CYFIP2):c.1477G>A (p.Glu493Lys)

Gene: CYFIP2 (cytoplasmic FMR1 interacting protein 2; plus strand). Cytogenetic location: 5q33.3.
Variant type: single nucleotide variant.
Coding change: c.1477G>A on transcript NM_001037333.3 (MANE Select); coding-DNA position 1477, G replaced by A.
Protein change: p.Glu493Lys; replaces glutamic acid 493 with lysine.
Molecular consequence: missense variant.
Genome position (GRCh38, 1-based): chr5:157,319,882, G>A. VCF-style: chr5-157319882-G-A. GRCh37 (hg19) VCF-style: chr5-156746890-G-A.
Other names: c.1399G>A, p.Glu467Lys (NM_001291721.2); c.1477G>A, p.Glu493Lys (NM_001291722.2, NM_014376.4); short protein forms E467K, E493K.
Identifiers: ClinVar variation 1804702 (VCV001804702.3), dbSNP rs2532392157, ClinGen allele CA361969050.

ClinVar aggregate classification (germline): Uncertain significance. Review status: criteria provided, multiple submitters, no conflicts (2 of 4 stars). 2 submissions from 2 submitters: Uncertain significance (2). Last evaluated 2025-02-12.

Allele frequency attached by ClinVar (database versions not stated): gnomAD exomes below 0.00001.
gnomAD v4.1: 1 of 1,614,072 alleles (0.000062%); highest among the groups gnomAD compares: Non-Finnish European, 0.000085%; no homozygotes.

Submissions (2):

GeneDx
Classification: Uncertain significance. Last evaluated: 2025-02-12. Review status: criteria provided, single submitter. Criteria: GeneDx Variant Classification Process June 2021. Collection method: clinical testing. Allele origin: germline.
Comment: Has not been previously published as pathogenic or benign to our knowledge; Not observed at significant frequency in large population cohorts (gnomAD); In silico analysis supports that this missense variant has a deleterious effect on protein structure/function

Women's Health and Genetics/Laboratory Corporation of America, LabCorp
Classification: Uncertain significance. Last evaluated: 2022-11-16. Review status: criteria provided, single submitter. Criteria: LabCorp Variant Classification Summary - May 2015. Collection method: clinical testing. Allele origin: germline.
Comment: Variant summary: CYFIP2 c.1477G>A (p.Glu493Lys) results in a conservative amino acid change in the encoded protein sequence. Three of five in-silico tools predict a benign effect of the variant on protein function. The variant was absent in 249782 control chromosomes. The available data on variant occurrences in the general population are insufficient to allow any conclusion about variant significance. To our knowledge, no occurrence of c.1477G>A in individuals affected with Developmental And Epileptic Encephalopathy, 65 and no experimental evidence demonstrating its impact on protein function have been reported. No clinical diagnostic laboratories have submitted clinical-significance assessments for this variant to ClinVar after 2014. Based on the evidence outlined above, the variant was classified as uncertain significance.